The following is an entry in ClinVar:

ClinVar aggregate classification (germline): Uncertain significance. Review status: criteria provided, multiple submitters, no conflicts (2 of 4 stars). 2 submissions from 2 submitters: Uncertain significance (2). Last evaluated 2025-08-12.

Conditions:
Ewing sarcoma (ES). Also called: Ewing's sarcoma; Ewing's tumor; Ewing tumor. Identifiers: Orphanet 2677, Orphanet 319, MedGen C0553580, MONDO:0012817, OMIM 612219, HP:0012254.

gnomAD v4.1: 1 of 1,607,836 alleles (0.000062%); highest among the groups gnomAD compares: East Asian, 0.0022%; no homozygotes.

Submissions (2):

GeneDx
Classification: Uncertain significance. Last evaluated: 2025-08-12. Review status: criteria provided, single submitter. Criteria: GeneDx Variant Classification Process June 2021. Collection method: clinical testing. Allele origin: germline. Affected: yes.
Comment: Not observed at significant frequency in large population cohorts (gnomAD); Missense variants in this gene are a common cause of disease and they are underrepresented in the general population; In silico analysis suggests that this missense variant does not alter protein structure/function; In silico analysis is inconclusive as to whether the variant alters gene splicing. In the absence of RNA/functional studies, the actual effect of this sequence change is unknown.; This variant is associated with the following publications: (PMID: 33726816)

Clinical Genetics Laboratory, Skane University Hospital Lund
Classification: Uncertain significance for Ewing sarcoma. Last evaluated: 2025-07-10. Review status: criteria provided, single submitter. Criteria: ACMG Guidelines, 2015. Collection method: clinical testing. Allele origin: germline. Affected: yes.
Comment: ACMG criteria used: PP2, PP3

NM_002834.5(PTPN11):c.145G>A (p.Gly49Arg)

Gene: PTPN11 (protein tyrosine phosphatase non-receptor type 11; plus strand). Cytogenetic location: 12q24.13.
Variant type: single nucleotide variant.
Coding change: c.145G>A on transcript NM_002834.5 (MANE Select); coding-DNA position 145, G replaced by A.
Protein change: p.Gly49Arg; replaces glycine 49 with arginine.
Molecular consequence: missense variant.
Genome position (GRCh38, 1-based): chr12:112,450,325, G>A. VCF-style: chr12-112450325-G-A. GRCh37 (hg19) VCF-style: chr12-112888129-G-A.
Other names: c.145G>A, p.Gly49Arg (NM_001330437.2, NM_080601.3); c.142G>A, p.Gly48Arg (NM_001374625.1); short protein forms G48R, G49R.
Identifiers: ClinVar variation 1212983 (VCV001212983.5), dbSNP rs2135861867, ClinGen allele CA386777384.